The following is an entry in ClinVar:

ClinVar aggregate classification (germline): Uncertain significance. Review status: criteria provided, multiple submitters, no conflicts (2 of 4 stars). 2 submissions from 2 submitters: Uncertain significance (2). Last evaluated 2026-05-10.

Conditions:
Hereditary cancer-predisposing syndrome. Also called: Neoplastic Syndromes, Hereditary; Tumor predisposition; Hereditary Cancer Syndrome; Hereditary neoplastic syndrome. Identifiers: Orphanet 140162, MedGen C0027672, MeSH D009386, MONDO:0015356.
Cardiovascular phenotype. Identifiers: MedGen CN230736.
Noonan syndrome 2 (NS2). Identifiers: Orphanet 648, MedGen C1854469, MONDO:0011531, OMIM 605275.

Allele frequency attached by ClinVar (database versions not stated): gnomAD exomes below 0.00001.
gnomAD v4.1: 3 of 1,613,538 alleles (0.00019%); highest among the groups gnomAD compares: Non-Finnish European, 0.00025%; no homozygotes.

Submissions (2):

Victorian Clinical Genetics Services, Murdoch Childrens Research Institute
Classification: Uncertain significance for Noonan syndrome 2. Last evaluated: 2026-05-10. Review status: criteria provided, single submitter. Criteria: ACMG Guidelines, 2015. Collection method: clinical testing. Allele origin: germline. Affected: yes.
Comment: This variant is classified as VUS-3A. Evidence in support of pathogenic classification: Variant is present in gnomAD <0.01 (v4: 3 heterozygote(s), 0 homozygote(s)); Heterozygous variant detected in trans with a PATHOGENIC heterozygous variant (NM_006767.4(LZTR1):c.1943-256C>T) in a recessive disease. Evidence in support of benign classification: Missense variant predicted to be tolerated by in silico tool(s) or not conserved in placental mammals with a minor amino acid change. Additional information: Variant is predicted to result in a missense amino acid change from Thr to Ala; This variant is heterozygous; This gene is associated with both recessive and dominant disease; Alternative amino acid change(s) at the same position are present in gnomAD (highest allele count: v4: 1 heterozygote(s), 0 homozygote(s)); Previous evidence of pathogenicity for this variant is inconclusive. It has been classified as a variant of uncertain significance by a clinical laboratory (ClinVar); No published evidence of segregation with disease has been identified for this variant; No published functional evidence has been identified for this variant; Another missense variant(s) comparable to the one identified in this case has inconclusive previous evidence for pathogenicity. p.(Thr113Ser) has been classified as a variant of uncertain significance by a clinical laboratory (ClinVar); Variant is located in the annotated KLHDC2/KLHL20/DRC7 Kelch-repeats domain (DECIPHER); Loss of function is a known mechanism of disease in this gene and is associated with autosomal recessive Noonan syndrome 2 (MIM#605275). Dominant negative is the suspected mechanism for autosomal dominant Noonan syndrome 10 (MIM#616564).

Ambry Genetics
Classification: Uncertain significance for Cardiovascular phenotype; Hereditary cancer-predisposing syndrome. Last evaluated: 2021-07-02. Review status: criteria provided, single submitter. Criteria: Ambry Variant Classification Scheme 2023. Collection method: clinical testing. Allele origin: germline.
Comment: The p.T113A variant (also known as c.337A>G), located in coding exon 4 of the LZTR1 gene, results from an A to G substitution at nucleotide position 337. The threonine at codon 113 is replaced by alanine, an amino acid with similar properties. This amino acid position is well conserved in available vertebrate species. In addition, this alteration is predicted to be tolerated by in silico analysis. Since supporting evidence is limited at this time, the clinical significance of this alteration remains unclear.

NM_006767.4(LZTR1):c.337A>G (p.Thr113Ala)

Gene: LZTR1 (leucine zipper like post translational regulator 1; plus strand). Cytogenetic location: 22q11.21.
Variant type: single nucleotide variant.
Coding change: c.337A>G on transcript NM_006767.4 (MANE Select); coding-DNA position 337, A replaced by G.
Protein change: p.Thr113Ala; replaces threonine 113 with alanine.
Molecular consequence: missense variant.
Genome position (GRCh38, 1-based): chr22:20,987,520, A>G. VCF-style: chr22-20987520-A-G. GRCh37 (hg19) VCF-style: chr22-21341809-A-G.
Other names: short protein forms T113A.
Identifiers: ClinVar variation 1730793 (VCV001730793.3), dbSNP rs1377855691, ClinGen allele CA410779269.